The following is an entry in ClinVar:

NM_000138.5(FBN1):c.5339G>A (p.Gly1780Glu)

Gene: FBN1 (fibrillin 1; minus strand). Cytogenetic location: 15q21.1.
Variant type: single nucleotide variant.
Coding change: c.5339G>A on transcript NM_000138.5 (MANE Select); coding-DNA position 5339, G replaced by A.
Protein change: p.Gly1780Glu; replaces glycine 1780 with glutamic acid.
Molecular consequence: missense variant.
Genome position (GRCh38, 1-based): chr15:48,456,720, C>T on the plus strand (G>A on the coding strand, the complement: FBN1 is on the minus strand). VCF-style: chr15-48456720-C-T. GRCh37 (hg19) VCF-style: chr15-48748917-C-T.
Other names: c.5339G>A, p.Gly1780Glu (NM_001406716.1); short protein forms G1780E.
Identifiers: ClinVar variation 2925547 (VCV002925547.3), dbSNP rs2141260428, ClinGen allele CA392346238.

ClinVar aggregate classification (germline): Pathogenic (1 of 4 stars; one submission).

Conditions:
Marfan syndrome (MFS). Also called: MARFAN SYNDROME, TYPE I; Marfan syndrome type 1; Marfan's syndrome; Marfan syndrome, classic; FBN1-Related Marfan Syndrome. Identifiers: Orphanet 284963, Orphanet 558, MedGen C0024796, MONDO:0007947, OMIM 154700.
Familial thoracic aortic aneurysm and aortic dissection (TAAD). Also called: Thoracic aortic aneurysms and dissections. Identifiers: Orphanet 91387, MedGen C4707243, MONDO:0019625.

Submission:

Labcorp Genetics (formerly Invitae), Labcorp
Classification: Pathogenic for Marfan syndrome; Familial thoracic aortic aneurysm and aortic dissection. Last evaluated: 2024-12-17. Review status: criteria provided, single submitter. Criteria: Invitae Variant Classification Sherloc (09022015). Collection method: clinical testing. Allele origin: germline.
Comment: This sequence change replaces glycine, which is neutral and non-polar, with glutamic acid, which is acidic and polar, at codon 1780 of the FBN1 protein (p.Gly1780Glu). This variant is not present in population databases (gnomAD no frequency). This missense change has been observed in individuals with clinical features of Marfan syndrome (PMID: 19802897; internal data). ClinVar contains an entry for this variant (Variation ID: 2925547). Invitae Evidence Modeling of protein sequence and biophysical properties (such as structural, functional, and spatial information, amino acid conservation, physicochemical variation, residue mobility, and thermodynamic stability) indicates that this missense variant is expected to disrupt FBN1 protein function with a positive predictive value of 95%. This variant disrupts the p.Gly1780 amino acid residue in FBN1. Other variant(s) that disrupt this residue have been determined to be pathogenic (PMID: 19802897, 32679894; internal data). This suggests that this residue is clinically significant, and that variants that disrupt this residue are likely to be disease-causing. For these reasons, this variant has been classified as Pathogenic.

Literature cited by the submitters: PubMed 19802897; PubMed 32679894.